The following is an entry in ClinVar:

ClinVar aggregate classification (germline): Benign (0 of 4 stars; one submission).

Conditions:
CD6-related disorder. Also called: CD6-related condition.

Allele frequency attached by ClinVar (database versions not stated): 1000 Genomes Project 0.07668; 1000 Genomes Project 30x 0.07823; gnomAD 0.13296; TOPMed 0.13356; ExAC 0.13851; ESP Exome Variant Server 0.14065; gnomAD exomes 0.16653.
gnomAD v4.1: 262,335 of 1,610,542 alleles (16%); highest among the groups gnomAD compares: Non-Finnish European, 19%; 23,669 homozygotes.

Submission:

PreventionGenetics, part of Exact Sciences
Classification: Benign for CD6-related condition. Last evaluated: 2019-12-03. Review status: no assertion criteria provided. Collection method: clinical testing. Allele origin: germline.
Comment: This variant is classified as benign based on ACMG/AMP sequence variant interpretation guidelines (Richards et al. 2015 PMID: 25741868, with internal and published modifications).

NM_006725.5(CD6):c.811G>A (p.Ala271Thr)

Gene: CD6 (CD6 molecule; plus strand). Cytogenetic location: 11q12.2.
Variant type: single nucleotide variant.
Coding change: c.811G>A on transcript NM_006725.5 (MANE Select); coding-DNA position 811, G replaced by A.
Protein change: p.Ala271Thr; replaces alanine 271 with threonine.
Molecular consequence: missense variant. On other transcripts: non-coding transcript variant (1).
Genome position (GRCh38, 1-based): chr11:61,009,601, G>A. VCF-style: chr11-61009601-G-A. GRCh37 (hg19) VCF-style: chr11-60777073-G-A.
Other names: c.811G>A, p.Ala271Thr (NM_001254750.2, NM_001254751.2); short protein forms A271T.
Identifiers: ClinVar variation 3060441 (VCV003060441.2), dbSNP rs12360861, ClinGen allele CA6030017.